The following is an entry in ClinVar:

NM_054012.4(ASS1):c.596A>G (p.Lys199Arg)

Gene: ASS1 (argininosuccinate synthase 1; plus strand). Cytogenetic location: 9q34.11.
Variant type: single nucleotide variant.
Coding change: c.596A>G on transcript NM_054012.4 (MANE Select); coding-DNA position 596, A replaced by G.
Protein change: p.Lys199Arg; replaces lysine 199 with arginine.
Molecular consequence: missense variant.
Genome position (GRCh38, 1-based): chr9:130,471,514, A>G. VCF-style: chr9-130471514-A-G. GRCh37 (hg19) VCF-style: chr9-133346901-A-G.
Other names: c.596A>G, p.Lys199Arg (NM_000050.4); short protein forms K199R.
Identifiers: ClinVar variation 3368030 (VCV003368030.2).

ClinVar aggregate classification (germline): Uncertain significance (1 of 4 stars; one submission).

gnomAD v4.1: 38 of 1,614,022 alleles (0.0024%); highest among the groups gnomAD compares: Non-Finnish European, 0.0032%; no homozygotes.

Submission:

GeneDx
Classification: Uncertain significance. Last evaluated: 2026-05-20. Review status: criteria provided, single submitter. Criteria: GeneDx Variant Classification Process June 2021. Collection method: clinical testing. Allele origin: germline.
Comment: In silico analysis supports that this missense variant does not alter protein structure/function; However, in silico analysis supports a deleterious effect on splicing; Not observed at significant frequency in large population cohorts (gnomAD); Has not been previously published as pathogenic or benign to our knowledge